The following is an entry in ClinVar:

ClinVar aggregate classification (germline): Conflicting classifications of pathogenicity. Review status: criteria provided, conflicting classifications (1 of 4 stars). 6 submissions from 6 submitters: Uncertain significance (3); Benign (1); Likely benign (1). 1 of the submissions does not count toward it. Last evaluated 2026-07-30.

Conditions:
PDGFRA-related disorder. Also called: PDGFRA-related condition.
Polyps, multiple and recurrent inflammatory fibroid, gastrointestinal. Identifiers: MedGen C5193005, MONDO:0008285, OMIM 175510.
Hereditary cancer-predisposing syndrome. Also called: Neoplastic Syndromes, Hereditary; Tumor predisposition; Hereditary Cancer Syndrome; Hereditary neoplastic syndrome. Identifiers: Orphanet 140162, MedGen C0027672, MeSH D009386, MONDO:0015356.
Gastrointestinal stromal tumor. Also called: Gastrointestinal stromal tumor, somatic; Gastrointestinal stroma tumor. Identifiers: Orphanet 44890, MedGen C0238198, MeSH D046152, MONDO:0011719, OMIM 606764, HP:0100723.

Allele frequency attached by ClinVar (database versions not stated): gnomAD 0.00003; gnomAD exomes 0.00006; ExAC 0.00007; TOPMed 0.00008; 1000 Genomes Project 0.00020; 1000 Genomes Project 30x 0.00031.
gnomAD v4.1: 52 of 1,614,108 alleles (0.0032%); highest among the groups gnomAD compares: Admixed American, 0.023%; no homozygotes.

Submissions (6):

PreventionGenetics, part of Exact Sciences
Classification: Uncertain significance for PDGFRA-related condition. Last evaluated: 2026-07-30. Review status: criteria provided, single submitter. Criteria: ACMG Guidelines, 2015. Collection method: clinical testing. Allele origin: germline.
Comment: The PDGFRA c.97A>T variant is predicted to result in the amino acid substitution p.Asn33Tyr. To our knowledge, this variant has not been reported in the literature. This variant is reported in 0.029% of alleles in individuals of Latino descent in gnomAD, and has conflicting interpretations in ClinVar ranging from likely benign to uncertain (Variation ID: 135022). Although we suspect that this variant may be benign, at this time, the clinical significance of this variant is uncertain due to the absence of conclusive functional and genetic evidence.

Myriad Genetics, Inc.
Classification: Likely benign for Polyps, multiple and recurrent inflammatory fibroid, gastrointestinal. Last evaluated: 2026-06-12. Review status: criteria provided, single submitter. Criteria: Myriad Autosomal Dominant, Autosomal Recessive and X-Linked Classification Criteria (2023). Collection method: clinical testing. Allele origin: unknown.
Comment: This variant is considered likely benign. This variant has been observed at a population frequency that is significantly greater than expected given the associated disease prevalence and penetrance.

Labcorp Genetics (formerly Invitae), Labcorp
Classification: Uncertain significance for Gastrointestinal stromal tumor. Last evaluated: 2025-12-23. Review status: criteria provided, single submitter. Criteria: Invitae Variant Classification Sherloc (09022015). Collection method: clinical testing. Allele origin: germline.
Comment: This sequence change replaces asparagine, which is neutral and polar, with tyrosine, which is neutral and polar, at codon 33 of the PDGFRA protein (p.Asn33Tyr). This variant is present in population databases (rs200979664, gnomAD 0.03%), and has an allele count higher than expected for a pathogenic variant. This variant has not been reported in the literature in individuals affected with PDGFRA-related conditions. ClinVar contains an entry for this variant (Variation ID: 135022). Invitae Evidence Modeling of protein sequence and biophysical properties (such as structural, functional, and spatial information, amino acid conservation, physicochemical variation, residue mobility, and thermodynamic stability) indicates that this missense variant is not expected to disrupt PDGFRA protein function with a negative predictive value of 80%. In summary, the available evidence is currently insufficient to determine the role of this variant in disease. Therefore, it has been classified as a Variant of Uncertain Significance.

GeneDx
Classification: Uncertain significance. Last evaluated: 2025-05-14. Review status: criteria provided, single submitter. Criteria: GeneDx Variant Classification Process June 2021. Collection method: clinical testing. Allele origin: germline. Affected: yes.
Comment: In silico analysis supports that this missense variant has a deleterious effect on protein structure/function; In silico analysis suggests this variant may impact gene splicing. In the absence of RNA/functional studies, the actual effect of this sequence change is unknown.; This variant is associated with the following publications: (PMID: 24728327, 38136308)

Ambry Genetics
Classification: Benign for Hereditary cancer-predisposing syndrome. Last evaluated: 2024-08-20. Review status: criteria provided, single submitter. Criteria: Ambry Variant Classification Scheme 2023. Collection method: clinical testing. Allele origin: germline.

ITMI
No classification provided. Condition: AllHighlyPenetrant. Last evaluated: 2013-09-19. Review status: no classification provided. Collection method: reference population. Allele origin: germline. Not counted in ClinVar's aggregate classification.
Comment: Please see associated publication for description of ethnicities

Literature cited by the submitters: PubMed 24728327 (cited by Ambry Genetics and ITMI).

NM_006206.6(PDGFRA):c.97A>T (p.Asn33Tyr)

Gene: PDGFRA (platelet derived growth factor receptor alpha; plus strand). Cytogenetic location: 4q12.
Variant type: single nucleotide variant.
Coding change: c.97A>T on transcript NM_006206.6 (MANE Select); coding-DNA position 97, A replaced by T.
Protein change: p.Asn33Tyr; replaces asparagine 33 with tyrosine.
Molecular consequence: missense variant.
Genome position (GRCh38, 1-based): chr4:54,261,142, A>T. VCF-style: chr4-54261142-A-T. GRCh37 (hg19) VCF-style: chr4-55127309-A-T.
Other names: c.97A>T, p.Asn33Tyr (NM_001347827.2, NM_001347829.2); c.172A>T, p.Asn58Tyr (NM_001347828.2); c.136A>T, p.Asn46Tyr (NM_001347830.2); c.97A>T (NM_006206.5); short protein forms N33Y, N58Y, N46Y.
Identifiers: ClinVar variation 135022 (VCV000135022.21), dbSNP rs200979664, ClinGen allele CA161426.